The following is an entry in ClinVar:

ClinVar aggregate classification (germline): Uncertain significance (1 of 4 stars; one submission).

Conditions:
Familial sleep-related hypermotor epilepsy. Also called: Autosomal Dominant Sleep-Related Hypermotor (Hyperkinetic) Epilepsy. Identifiers: Orphanet 98784, MedGen C3696898, MONDO:0000030.

Submission:

Labcorp Genetics (formerly Invitae), Labcorp
Classification: Uncertain significance. Last evaluated: 2022-02-08. Review status: criteria provided, single submitter. Criteria: Invitae Variant Classification Sherloc (09022015). Collection method: clinical testing. Allele origin: germline.
Comment: In summary, the available evidence is currently insufficient to determine the role of this variant in disease. Therefore, it has been classified as a Variant of Uncertain Significance. This sequence change creates a premature translational stop signal (p.Thr125Leufs*15) in the CHRNA2 gene. It is expected to result in an absent or disrupted protein product. However, the current clinical and genetic evidence is not sufficient to establish whether loss-of-function variants in CHRNA2 cause disease. This variant is not present in population databases (gnomAD no frequency). This variant has not been reported in the literature in individuals affected with CHRNA2-related conditions.

NM_000742.4(CHRNA2):c.373del (p.Thr125fs)

Gene: CHRNA2 (cholinergic receptor nicotinic alpha 2 subunit; minus strand). Cytogenetic location: 8p21.2.
Variant type: Deletion.
Coding change: c.373del on transcript NM_000742.4 (MANE Select); coding-DNA position 373, one base deleted (A; older notation c.373delA).
Protein change: p.Thr125fs; shifts the reading frame from threonine 125.
Molecular consequence: frameshift variant. On other transcripts: 5 prime UTR variant (4).
Genome position (GRCh38, 1-based): chr8:27,467,305, T deleted on the plus strand (A on the coding strand, the reverse complement: CHRNA2 is on the minus strand). VCF-style (leftmost placement, unchanged base first): chr8-27467304-GT-G. GRCh37 (hg19) VCF-style: chr8-27324821-GT-G.
Other names: c.328del, p.Thr110fs (NM_001282455.2); c.-100del (NM_001347705.2, NM_001347706.2); c.-86del (NM_001347707.2); c.-89del (NM_001347708.2); short protein forms T110fs, T125fs.
Identifiers: ClinVar variation 2095044 (VCV002095044.4), dbSNP rs2490559141, ClinGen allele CA2580078103.